The following is an entry in ClinVar:

NC_000017.10:g.(?_29420318)_29701183del

Gene: NF1 (neurofibromin 1; plus strand).
Variant type: Deletion.
Identifiers: ClinVar variation 1071966 (VCV001071966.2).

ClinVar aggregate classification (germline): Pathogenic (1 of 4 stars; one submission).

Conditions:
Neurofibromatosis, type 1 (NF1). Also called: VON RECKLINGHAUSEN DISEASE; Peripheral type neurofibromatosis; NEUROFIBROMATOSIS, TYPE I, SOMATIC; Neurofibromatosis, type I. Identifiers: Orphanet 636, MedGen C0027831, MONDO:0018975, OMIM 162200. Disease mechanism: loss of function.

Submission:

Labcorp Genetics (formerly Invitae), Labcorp
Classification: Pathogenic for Neurofibromatosis, type 1. Last evaluated: 2019-11-21. Review status: criteria provided, single submitter. Criteria: Invitae Variant Classification Sherloc (09022015). Collection method: clinical testing. Allele origin: germline.
Comment: A gross deletion of the genomic region encompassing the full coding sequence of the NF1 gene has been identified. The boundaries of this event are unknown as the deletion extends beyond the assayed region for this gene and therefore may encompass additional genes. Larger deletion events that include the NF1 gene been observed in many individuals with neurofibromatosis type 1 (PMID: 8116612, 9643287, 8931693). ClinVar contains an entry for this deletion (Variation ID: 237507). Loss-of-function variants in NF1 are known to be pathogenic (PMID: 10712197, 23913538). For these reasons, this variant has been classified as Pathogenic.

Literature cited by the submitters: PubMed 8116612; PubMed 9643287; PubMed 8931693; PubMed 10712197; PubMed 23913538.